The following is an entry in ClinVar:

ClinVar aggregate classification (germline): Benign/Likely benign. Review status: criteria provided, multiple submitters, no conflicts (2 of 4 stars). 10 submissions from 10 submitters: Benign (8); Likely benign (1). 1 of the submissions does not count toward it. Last evaluated 2026-02-04.

Conditions:
SOS2-related disorder. Also called: SOS2-related condition.
Noonan syndrome and Noonan-related syndrome. Identifiers: Orphanet 98733, MedGen C5681679, MONDO:0020297.
Noonan syndrome 9 (NS9). Identifiers: Orphanet 648, MedGen C4225282, MONDO:0014691, OMIM 616559.

Submissions (10):

Labcorp Genetics (formerly Invitae), Labcorp
Classification: Benign for Noonan syndrome 9. Last evaluated: 2026-02-04. Review status: criteria provided, single submitter. Criteria: Invitae Variant Classification Sherloc (09022015). Collection method: clinical testing. Allele origin: germline.

ARUP Laboratories, Molecular Genetics and Genomics, ARUP Laboratories
Classification: Benign for Noonan syndrome 9. Last evaluated: 2025-06-24. Review status: criteria provided, single submitter. Criteria: ARUP Molecular Germline Variant Investigation Process 2024. Collection method: clinical testing. Allele origin: germline.

Laboratory of Genetics, Children's Clinical University Hospital Latvia
Classification: Benign. Last evaluated: 2025-02-16. Review status: criteria provided, single submitter. Criteria: ACMG Guidelines, 2015. Collection method: clinical testing. Allele origin: germline. Affected: yes.

Blueprint Genetics
Classification: Likely benign. Last evaluated: 2024-11-27. Review status: criteria provided, single submitter. Criteria: ACMG Guidelines, 2015. Collection method: clinical testing. Allele origin: germline.

Mayo Clinic Laboratories, Mayo Clinic
Classification: Benign. Last evaluated: 2023-03-17. Review status: criteria provided, single submitter. Criteria: ACMG Guidelines, 2015. Collection method: clinical testing. Allele origin: germline. Observed: 74 variant alleles.

Genome Diagnostics Laboratory, The Hospital for Sick Children
Classification: Benign for Noonan syndrome and Noonan-related syndrome. Last evaluated: 2021-07-08. Review status: criteria provided, single submitter. Criteria: ACMG Guidelines, 2015. Collection method: clinical testing. Allele origin: germline.

Women's Health and Genetics/Laboratory Corporation of America, LabCorp
Classification: Benign. Last evaluated: 2019-08-19. Review status: criteria provided, single submitter. Criteria: LabCorp Variant Classification Summary - May 2015. Collection method: clinical testing. Allele origin: germline.
Comment: Variant summary: SOS2 c.3490-5_3490-4dupTT alters a nucleotide located close to a canonical splice site and therefore could affect mRNA splicing, leading to a significantly altered protein sequence. 5/5 computational tools predict no significant impact on normal splicing. However, these predictions have yet to be confirmed by functional studies. The variant allele was found at a frequency of 0.038 in 103896 control chromosomes in the gnomAD database (exomes dataset), including 41 homozygotes. The observed variant frequency is approximately 15000 fold of the estimated maximal expected allele frequency for a pathogenic variant in SOS2 causing Noonan Syndrome and Related Conditions phenotype (2.5e-06), strongly suggesting that the variant is benign. To our knowledge, no occurrence of c.3490-5_3490-4dupTT in individuals affected with Noonan Syndrome and Related Conditions and no experimental evidence demonstrating its impact on protein function have been reported. Two ClinVar submissions from other clinical diagnostic laboratories (evaluation after 2014) cited the variant as benign. Based on the evidence outlined above, the variant was classified as benign.

GeneDx
Classification: Benign. Last evaluated: 2017-11-01. Review status: criteria provided, single submitter. Criteria: GeneDx Variant Classification (06012015). Collection method: clinical testing. Allele origin: germline. Affected: yes.
Comment: This variant is considered likely benign or benign based on one or more of the following criteria: it is a conservative change, it occurs at a poorly conserved position in the protein, it is predicted to be benign by multiple in silico algorithms, and/or has population frequency not consistent with disease.

Genome-Nilou Lab
Classification: Benign for Noonan syndrome 9. Review status: criteria provided, single submitter. Criteria: ACMG Guidelines, 2015. Collection method: clinical testing. Allele origin: germline.

PreventionGenetics, part of Exact Sciences
Classification: Benign for SOS2-related condition. Last evaluated: 2020-04-06. Review status: no assertion criteria provided. Collection method: clinical testing. Allele origin: germline. Not counted in ClinVar's aggregate classification.
Comment: This variant is classified as benign based on ACMG/AMP sequence variant interpretation guidelines (Richards et al. 2015 PMID: 25741868, with internal and published modifications).

NM_006939.4(SOS2):c.3490-13_3490-12dup

Gene: SOS2 (SOS Ras/Rho guanine nucleotide exchange factor 2; minus strand). Cytogenetic location: 14q21.3.
Variant type: Duplication.
Coding change: c.3490-13_3490-12dup on transcript NM_006939.4 (MANE Select); 13 bases into the intron before coding-DNA position 3490 through 12 bases into the intron before coding-DNA position 3490, 2 bases duplicated (TT; older notation c.3490-13_3490-12dupTT).
Molecular consequence: intron variant.
Genome position (GRCh38, 1-based): chr14:50,118,857-50,118,858, AA duplicated on the plus strand (TT on the coding strand, the reverse complement: SOS2 is on the minus strand); duplicating any 2 consecutive bases within chr14:50,118,857-50,118,866 gives the same sequence; the c. name uses the placement nearest the transcript's 3' end. VCF-style (leftmost placement, unchanged base first): chr14-50118856-C-CAA. GRCh37 (hg19) VCF-style: chr14-50585574-C-CAA.
Other names: p.?; c.3490-5_3490-4dup (NM_006939.2, NM_006939.4); c.3490-5_3490-4dupTT (NM_006939.3).
Identifiers: ClinVar variation 475752 (VCV000475752.24), dbSNP rs10658395, ClinGen allele CA7176771.